The following is an entry in ClinVar:

ClinVar aggregate classification (germline): Benign. Review status: criteria provided, single submitter (1 of 4 stars). 2 submissions from 2 submitters: Benign (1). 1 of the submissions does not count toward it. Last evaluated 2025-11-25.

Conditions:
NBEAL2-related disorder. Also called: NBEAL2-related condition.

Allele frequency attached by ClinVar (database versions not stated): ESP Exome Variant Server 0.00008; 1000 Genomes Project 30x 0.00031; 1000 Genomes Project 0.00040.
gnomAD v4.1: 174 of 1,609,650 alleles (0.011%); highest among the groups gnomAD compares: South Asian, 0.19%; 1 homozygote.

Submissions (2):

Labcorp Genetics (formerly Invitae), Labcorp
Classification: Benign. Last evaluated: 2025-11-25. Review status: criteria provided, single submitter. Criteria: Invitae Variant Classification Sherloc (09022015). Collection method: clinical testing. Allele origin: germline.

PreventionGenetics, part of Exact Sciences
Classification: Likely benign for NBEAL2-related condition. Last evaluated: 2019-06-27. Review status: no assertion criteria provided. Collection method: clinical testing. Allele origin: germline. Not counted in ClinVar's aggregate classification.
Comment: This variant is classified as likely benign based on ACMG/AMP sequence variant interpretation guidelines (Richards et al. 2015 PMID: 25741868, with internal and published modifications).

NM_015175.3(NBEAL2):c.3704-4C>A

Gene: NBEAL2 (neurobeachin like 2; plus strand). Cytogenetic location: 3p21.31.
Variant type: single nucleotide variant.
Coding change: c.3704-4C>A on transcript NM_015175.3 (MANE Select); 4 bases into the intron before coding-DNA position 3704, C replaced by A.
Molecular consequence: intron variant.
Genome position (GRCh38, 1-based): chr3:46,999,626, C>A. VCF-style: chr3-46999626-C-A. GRCh37 (hg19) VCF-style: chr3-47041116-C-A.
Other names: c.3602-4C>A (NM_001365116.2).
Identifiers: ClinVar variation 3042812 (VCV003042812.3), dbSNP rs201388862, ClinGen allele CA2361048.